The following is an entry in ClinVar:

NM_000218.3(KCNQ1):c.1128+1G>T

Gene: KCNQ1 (potassium voltage-gated channel subfamily Q member 1; plus strand). Cytogenetic location: 11p15.5.
Variant type: single nucleotide variant.
Coding change: c.1128+1G>T on transcript NM_000218.3 (MANE Select); the canonical splice donor site of the intron after coding-DNA position 1128, G replaced by T.
Molecular consequence: splice donor variant. On other transcripts: intron variant (2).
Genome position (GRCh38, 1-based): chr11:2,585,308, G>T. VCF-style: chr11-2585308-G-T. GRCh37 (hg19) VCF-style: chr11-2606538-G-T.
Other names: c.858+1G>T (NM_001406837.1); c.1032+1763G>T (NM_001406836.1); c.588+1763G>T (NM_001406838.1); c.747+1G>T (NM_181798.2).
Identifiers: ClinVar variation 52963 (VCV000052963.6), dbSNP rs397508078, ClinGen allele CA005355.

ClinVar aggregate classification (germline): Likely pathogenic. Review status: criteria provided, multiple submitters, no conflicts (2 of 4 stars). 3 submissions from 3 submitters: Likely pathogenic (2). 1 of the submissions does not count toward it. Last evaluated 2022-03-23.

Conditions:
Long QT syndrome 1 (LQT1). Identifiers: Orphanet 101016, Orphanet 768, MedGen C4551647, MONDO:0100316, OMIM 192500, MONDO:0008646.

Submissions (3):

GeneDx
Classification: Likely pathogenic. Last evaluated: 2022-03-23. Review status: criteria provided, single submitter. Criteria: GeneDx Variant Classification Process June 2021. Collection method: clinical testing. Allele origin: germline. Affected: yes.
Comment: Not observed at significant frequency in large population cohorts (gnomAD); Canonical splice site variant expected to result in aberrant splicing, although in the absence of functional evidence the actual effect of this sequence change is unknown.; This variant is associated with the following publications: (PMID: 19716085, 25525159, 15840476)

AiLife Diagnostics
Classification: Likely pathogenic. Last evaluated: 2021-09-01. Review status: criteria provided, single submitter. Criteria: ACMG Guidelines, 2015. Collection method: clinical testing. Allele origin: germline. Affected: yes. Observed: 1 variant allele.

ClinVar Staff, National Center for Biotechnology Information (NCBI)
No classification provided. Condition: Long QT syndrome, LQT1 subtype. Review status: no classification provided. Collection method: literature only. Allele origin: germline. Affected: yes. Not counted in ClinVar's aggregate classification.

Literature cited by the submitters: PubMed 15840476 (cited by AiLife Diagnostics and ClinVar Staff, National Center for Biotechnology Information (NCBI)); PubMed 25525159 (cited by AiLife Diagnostics).